The following is an entry in ClinVar:

NM_002392.6(MDM2):c.1191T>G (p.Ser397Arg)

Gene: MDM2 (MDM2 proto-oncogene; plus strand). Cytogenetic location: 12q15.
Variant type: single nucleotide variant.
Coding change: c.1191T>G on transcript NM_002392.6 (MANE Select); coding-DNA position 1191, T replaced by G.
Protein change: p.Ser397Arg; replaces serine 397 with arginine.
Molecular consequence: missense variant.
Genome position (GRCh38, 1-based): chr12:68,839,546, T>G. VCF-style: chr12-68839546-T-G. GRCh37 (hg19) VCF-style: chr12-69233326-T-G.
Other names: c.1032T>G, p.Ser344Arg (NM_001145337.3); c.1026T>G, p.Ser342Arg (NM_001145339.2); c.585T>G, p.Ser195Arg (NM_001145340.3); c.663T>G, p.Ser221Arg (NM_001278462.2); c.1173T>G, p.Ser391Arg (NM_001367990.1); short protein forms S195R, S221R, S342R, S344R, S397R, S391R.
Identifiers: ClinVar variation 2067479 (VCV002067479.4), dbSNP rs759644422, ClinGen allele CA6678870.
Genomic context (GRCh38, chr12:68,839,546, plus strand): 5'-AGAGTCATGTGTTGAGGAAAATGATGATAAAATTACACAAGCTTCACAATCACAAGAAAG[T>G]GAAGACTATTCTCAGCCATCAACTTCTAGTAGCATTATTTATAGCAGCCAAGAAGATGTG-3'
Protein context (NP_002383.2, residues 387-407): KITQASQSQE[Ser397Arg]EDYSQPSTSS

ClinVar aggregate classification (germline): Uncertain significance (1 of 4 stars; one submission).

Conditions:
Accelerated tumor formation, susceptibility to (ACTFS). Identifiers: MedGen C3280690, OMIM 614401, MONDO:0013733.

Allele frequency attached by ClinVar (database versions not stated): gnomAD exomes 0.00001; ExAC 0.00002.
gnomAD v4.1: 5 of 1,613,702 alleles (0.00031%); highest among the groups gnomAD compares: Non-Finnish European, 0.00034%; no homozygotes.

Submission:

Labcorp Genetics (formerly Invitae), Labcorp
Classification: Uncertain significance for Accelerated tumor formation, susceptibility to. Last evaluated: 2023-02-04. Review status: criteria provided, single submitter. Criteria: Invitae Variant Classification Sherloc (09022015). Collection method: clinical testing. Allele origin: germline.
Comment: This variant has not been reported in the literature in individuals affected with MDM2-related conditions. This variant is present in population databases (rs759644422, gnomAD 0.002%). This sequence change replaces serine, which is neutral and polar, with arginine, which is basic and polar, at codon 397 of the MDM2 protein (p.Ser397Arg). In summary, the available evidence is currently insufficient to determine the role of this variant in disease. Therefore, it has been classified as a Variant of Uncertain Significance. Algorithms developed to predict the effect of missense changes on protein structure and function are either unavailable or do not agree on the potential impact of this missense change (SIFT: "Tolerated"; PolyPhen-2: "Probably Damaging"; Align-GVGD: "Class C0").